The following is an entry in ClinVar:

ClinVar aggregate classification (germline): Uncertain significance. Review status: criteria provided, multiple submitters, no conflicts (2 of 4 stars). 3 submissions from 3 submitters: Uncertain significance (3). Last evaluated 2026-07-07.

Conditions:
Tuberous sclerosis 1 (TSC1). Identifiers: Orphanet 805, MedGen C1854465, MONDO:0008612, OMIM 191100.
Hereditary cancer-predisposing syndrome. Also called: Neoplastic Syndromes, Hereditary; Hereditary neoplastic syndrome; Hereditary Cancer Syndrome; Tumor predisposition. Identifiers: Orphanet 140162, MedGen C0027672, MeSH D009386, MONDO:0015356.

Submissions (3):

Ambry Genetics
Classification: Uncertain significance for Hereditary cancer-predisposing syndrome. Last evaluated: 2026-07-07. Review status: criteria provided, single submitter. Criteria: Ambry Variant Classification Scheme 2023. Collection method: clinical testing. Allele origin: germline.
Comment: The p.N849K variant (also known as c.2547C>G), located in coding exon 18 of the TSC1 gene, results from a C to G substitution at nucleotide position 2547. The asparagine at codon 849 is replaced by lysine, an amino acid with similar properties. This amino acid position is conserved. In addition, this alteration is predicted to be tolerated by in silico analysis. Based on the available evidence, the clinical significance of this variant remains unclear.

GeneDx
Classification: Uncertain significance. Last evaluated: 2024-01-10. Review status: criteria provided, single submitter. Criteria: GeneDx Variant Classification Process June 2021. Collection method: clinical testing. Allele origin: germline. Affected: yes.
Comment: Not observed at significant frequency in large population cohorts (gnomAD); In silico analysis supports that this missense variant does not alter protein structure/function; Has not been previously published as pathogenic or benign to our knowledge; This variant is associated with the following publications: (PMID: 18466115)

Labcorp Genetics (formerly Invitae), Labcorp
Classification: Uncertain significance for Tuberous sclerosis 1. Last evaluated: 2021-12-08. Review status: criteria provided, single submitter. Criteria: Invitae Variant Classification Sherloc (09022015). Collection method: clinical testing. Allele origin: germline.
Comment: This sequence change replaces asparagine, which is neutral and polar, with lysine, which is basic and polar, at codon 849 of the TSC1 protein (p.Asn849Lys). In summary, the available evidence is currently insufficient to determine the role of this variant in disease. Therefore, it has been classified as a Variant of Uncertain Significance. Algorithms developed to predict the effect of missense changes on protein structure and function are either unavailable or do not agree on the potential impact of this missense change (SIFT: "Tolerated"; PolyPhen-2: "Possibly Damaging"; Align-GVGD: "Class C0"). ClinVar contains an entry for this variant (Variation ID: 466087). This variant has not been reported in the literature in individuals affected with TSC1-related conditions. This variant is not present in population databases (gnomAD no frequency).

NM_000368.5(TSC1):c.2547C>G (p.Asn849Lys)

Gene: TSC1 (TSC complex subunit 1; minus strand). Cytogenetic location: 9q34.13.
Variant type: single nucleotide variant.
Coding change: c.2547C>G on transcript NM_000368.5 (MANE Select); coding-DNA position 2547, C replaced by G.
Protein change: p.Asn849Lys; replaces asparagine 849 with lysine.
Molecular consequence: missense variant.
Genome position (GRCh38, 1-based): chr9:132,900,793, G>C on the plus strand (C>G on the coding strand, the complement: TSC1 is on the minus strand). VCF-style: chr9-132900793-G-C. GRCh37 (hg19) VCF-style: chr9-135776180-G-C.
Other names: c.2544C>G, p.Asn848Lys (NM_001162426.2); c.2394C>G, p.Asn798Lys (NM_001162427.2); c.2184C>G, p.Asn728Lys (NM_001362177.2); short protein forms N849K, N848K, N728K, N798K.
Identifiers: ClinVar variation 466087 (VCV000466087.8), dbSNP rs1554814418, ClinGen allele CA375370165.